The following is an entry in ClinVar:

ClinVar aggregate classification (germline): Uncertain significance. Review status: criteria provided, multiple submitters, no conflicts (2 of 4 stars). 2 submissions from 2 submitters: Uncertain significance (2). Last evaluated 2025-09-01.

Allele frequency attached by ClinVar (database versions not stated): gnomAD exomes below 0.00001.

Submissions (2):

Ambry Genetics
Classification: Uncertain significance. Last evaluated: 2025-09-01. Review status: criteria provided, single submitter. Criteria: Ambry Variant Classification Scheme 2023. Collection method: clinical testing. Allele origin: germline.
Comment: The p.H418R variant (also known as c.1253A>G), located in coding exon 13 of the SRP72 gene, results from an A to G substitution at nucleotide position 1253. The histidine at codon 418 is replaced by arginine, an amino acid with highly similar properties. This amino acid position is conserved. In addition, the in silico prediction for this alteration is inconclusive. Based on the available evidence, the clinical significance of this variant remains unclear.

GeneDx
Classification: Uncertain significance. Last evaluated: 2021-03-29. Review status: criteria provided, single submitter. Criteria: GeneDx Variant Classification Process June 2021. Collection method: clinical testing. Allele origin: germline. Affected: yes.
Comment: Not observed in large population cohorts (Lek et al., 2016); In silico analysis supports that this missense variant has a deleterious effect on protein structure/function; Has not been previously published as pathogenic or benign to our knowledge

NM_006947.4(SRP72):c.1253A>G (p.His418Arg)

Gene: SRP72 (signal recognition particle 72; plus strand). Cytogenetic location: 4q12.
Variant type: single nucleotide variant.
Coding change: c.1253A>G on transcript NM_006947.4 (MANE Select); coding-DNA position 1253, A replaced by G.
Protein change: p.His418Arg; replaces histidine 418 with arginine.
Molecular consequence: missense variant. On other transcripts: non-coding transcript variant (1).
Genome position (GRCh38, 1-based): chr4:56,489,416, A>G. VCF-style: chr4-56489416-A-G. GRCh37 (hg19) VCF-style: chr4-57355582-A-G.
Other names: c.1070A>G, p.His357Arg (NM_001267722.2); short protein forms H357R, H418R.
Identifiers: ClinVar variation 1314462 (VCV001314462.4), dbSNP rs2110126368, ClinGen allele CA357001065.